The following is an entry in ClinVar:

ClinVar aggregate classification (germline): Uncertain significance (1 of 4 stars; one submission).

Conditions:
Hereditary cancer-predisposing syndrome. Also called: Tumor predisposition; Hereditary neoplastic syndrome; Hereditary Cancer Syndrome; Neoplastic Syndromes, Hereditary. Identifiers: Orphanet 140162, MedGen C0027672, MeSH D009386, MONDO:0015356.

gnomAD v4.1: 1 of 1,613,844 alleles (0.000062%); highest among the groups gnomAD compares: African/African-American, 0.0013%; no homozygotes.

Submission:

Ambry Genetics
Classification: Uncertain significance for Hereditary cancer-predisposing syndrome. Last evaluated: 2025-03-25. Review status: criteria provided, single submitter. Criteria: Ambry Variant Classification Scheme 2023. Collection method: clinical testing. Allele origin: germline.
Comment: The p.L153F variant (also known as c.459G>C), located in coding exon 4 of the POT1 gene, results from a G to C substitution at nucleotide position 459. The leucine at codon 153 is replaced by phenylalanine, an amino acid with highly similar properties. This amino acid position is conserved. In addition, the in silico prediction for this alteration is inconclusive. Based on the available evidence, the clinical significance of this variant remains unclear.

NM_015450.3(POT1):c.459G>C (p.Leu153Phe)

Gene: POT1 (protection of telomeres 1; minus strand). Cytogenetic location: 7q31.33.
Variant type: single nucleotide variant.
Coding change: c.459G>C on transcript NM_015450.3 (MANE Select); coding-DNA position 459, G replaced by C.
Protein change: p.Leu153Phe; replaces leucine 153 with phenylalanine.
Molecular consequence: missense variant. On other transcripts: non-coding transcript variant (3).
Genome position (GRCh38, 1-based): chr7:124,863,437, C>G on the plus strand (G>C on the coding strand, the complement: POT1 is on the minus strand). VCF-style: chr7-124863437-C-G. GRCh37 (hg19) VCF-style: chr7-124503491-C-G.
Other names: c.66G>C, p.Leu22Phe (NM_001042594.2); short protein forms L153F, L22F.
Identifiers: ClinVar variation 3936273 (VCV003936273.1).
Genomic context (GRCh38, chr7:124,863,437, plus strand): 5'-TTCTGCTTTGCCCAAGAGCTGACAAGTCAGGTCAAAATACTGCATTGGCTGAACATCACA[C>G]AATTTTAGTAATGTCCAAGACGGTGACATATGAGTAGATGCCCAAACACGTAAGGCTTCT-3'
Protein context (NP_056265.2, residues 143-163): HMSPSWTLLK[Leu153Phe]CDVQPMQYFD